The following is an entry in ClinVar:

ClinVar aggregate classification (germline): Uncertain significance (1 of 4 stars; one submission).

gnomAD v4.1: 7 of 1,528,978 alleles (0.00046%); highest among the groups gnomAD compares: Non-Finnish European, 0.00061%; no homozygotes.

Submission:

CeGaT Center for Human Genetics Tuebingen
Classification: Uncertain significance. Last evaluated: 2026-02-01. Review status: criteria provided, single submitter. Criteria: CeGaT Center For Human Genetics Tuebingen Variant Classification Criteria Version 2. Collection method: clinical testing. Allele origin: germline. Affected: yes. Observed: 1 variant allele.
Comment: CATSPER2: PM2, BP4

NM_172095.4(CATSPER2):c.-210G>C

Gene: CATSPER2 (cation channel sperm associated 2; minus strand). Cytogenetic location: 15q15.3.
Variant type: single nucleotide variant.
Coding change: c.-210G>C on transcript NM_172095.4 (MANE Select); 210 bases upstream of the start codon, G replaced by C.
Molecular consequence: 5 prime UTR variant.
Genome position (GRCh38, 1-based): chr15:43,648,836, C>G on the plus strand (G>C on the coding strand, the complement: CATSPER2 is on the minus strand). VCF-style: chr15-43648836-C-G. GRCh37 (hg19) VCF-style: chr15-43941034-C-G.
Other names: c.-105G>C (NM_001282309.3); c.-2G>C (NM_001282310.2).
Identifiers: ClinVar variation 4823208 (VCV004823208.4).